The following is an entry in ClinVar:

NM_001322101.2(CENPO):c.533T>G (p.Phe178Cys)

Gene: CENPO (centromere protein O; plus strand). Cytogenetic location: 2p23.3.
Variant type: single nucleotide variant.
Coding change: c.533T>G on transcript NM_001322101.2 (MANE Select); coding-DNA position 533, T replaced by G.
Protein change: p.Phe178Cys; replaces phenylalanine 178 with cysteine.
Molecular consequence: missense variant. On other transcripts: non-coding transcript variant (3).
Genome position (GRCh38, 1-based): chr2:24,815,695, T>G. VCF-style: chr2-24815695-T-G. GRCh37 (hg19) VCF-style: chr2-25038564-T-G.
Other names: c.515T>G, p.Phe172Cys (NM_001199803.3); c.533T>G, p.Phe178Cys (NM_024322.4); short protein forms F172C, F178C.
Identifiers: ClinVar variation 4083719 (VCV004083719.8).

ClinVar aggregate classification (germline): Likely benign (1 of 4 stars; one submission).

gnomAD v4.1: 6,086 of 1,614,094 alleles (0.38%); highest among the groups gnomAD compares: Non-Finnish European, 0.43%; 17 homozygotes.

Submission:

CeGaT Center for Human Genetics Tuebingen
Classification: Likely benign. Last evaluated: 2025-08-01. Review status: criteria provided, single submitter. Criteria: CeGaT Center For Human Genetics Tuebingen Variant Classification Criteria Version 2. Collection method: clinical testing. Allele origin: germline. Affected: yes. Observed: 1 variant allele.
Comment: CENPO: BS2